The following is an entry in ClinVar:

ClinVar aggregate classification (germline): Uncertain significance (1 of 4 stars; one submission).

gnomAD v4.1: 307 of 1,613,024 alleles (0.019%); highest among the groups gnomAD compares: Non-Finnish European, 0.024%; no homozygotes.

Submission:

Labcorp Genetics (formerly Invitae), Labcorp
Classification: Uncertain significance. Last evaluated: 2025-06-29. Review status: criteria provided, single submitter. Criteria: Invitae Variant Classification Sherloc (09022015). Collection method: clinical testing. Allele origin: germline.
Comment: This sequence change replaces leucine, which is neutral and non-polar, with phenylalanine, which is neutral and non-polar, at codon 43 of the SIX2 protein (p.Leu43Phe). This variant is present in population databases (rs142188105, gnomAD 0.03%). This missense change has been observed in individual(s) with renal hypodysplasia (PMID: 18305125). Invitae Evidence Modeling of protein sequence and biophysical properties (such as structural, functional, and spatial information, amino acid conservation, physicochemical variation, residue mobility, and thermodynamic stability) indicates that this missense variant is not expected to disrupt SIX2 protein function with a negative predictive value of 80%. In summary, the available evidence is currently insufficient to determine the role of this variant in disease. Therefore, it has been classified as a Variant of Uncertain Significance.

Literature cited by the submitters: PubMed 18305125.

NM_016932.5(SIX2):c.127C>T (p.Leu43Phe)

Gene: SIX2 (SIX homeobox 2; minus strand). Cytogenetic location: 2p21.
Variant type: single nucleotide variant.
Coding change: c.127C>T on transcript NM_016932.5 (MANE Select); coding-DNA position 127, C replaced by T.
Protein change: p.Leu43Phe; replaces leucine 43 with phenylalanine.
Molecular consequence: missense variant.
Genome position (GRCh38, 1-based): chr2:45,008,984, G>A on the plus strand (C>T on the coding strand, the complement: SIX2 is on the minus strand). VCF-style: chr2-45008984-G-A. GRCh37 (hg19) VCF-style: chr2-45236123-G-A.
Other names: short protein forms L43F.
Identifiers: ClinVar variation 4810994 (VCV004810994.1).